The following is an entry in ClinVar:

NM_133433.4(NIPBL):c.2264C>A (p.Pro755His)

Gene: NIPBL (NIPBL cohesin loading factor; plus strand). Cytogenetic location: 5p13.2.
Variant type: single nucleotide variant.
Coding change: c.2264C>A on transcript NM_133433.4 (MANE Select); coding-DNA position 2264, C replaced by A.
Protein change: p.Pro755His; replaces proline 755 with histidine.
Molecular consequence: missense variant.
Genome position (GRCh38, 1-based): chr5:36,985,444, C>A. VCF-style: chr5-36985444-C-A. GRCh37 (hg19) VCF-style: chr5-36985546-C-A.
Other names: c.2264C>A, p.Pro755His (NM_015384.5); short protein forms P755H.
Identifiers: ClinVar variation 2633901 (VCV002633901.1), dbSNP rs1744658330, ClinGen allele CA359500200.

ClinVar aggregate classification (germline): Uncertain significance (1 of 4 stars; one submission).

Conditions:
NIPBL-related disorder. Also called: NIPBL-related condition.

Allele frequency attached by ClinVar (database versions not stated): gnomAD exomes below 0.00001.
gnomAD v4.1: 2 of 1,613,590 alleles (0.00012%); highest among the groups gnomAD compares: South Asian, 0.0011%; no homozygotes.

Submission:

PreventionGenetics, part of Exact Sciences
Classification: Uncertain significance for NIPBL-related condition. Last evaluated: 2023-04-07. Review status: criteria provided, single submitter. Criteria: ACMG Guidelines, 2015. Collection method: clinical testing. Allele origin: germline.
Comment: The NIPBL c.2264C>A variant is predicted to result in the amino acid substitution p.Pro755His. To our knowledge, this variant has not been reported in the literature or in a large population database, indicating this variant is rare. At this time, the clinical significance of this variant is uncertain due to the absence of conclusive functional and genetic evidence.